The following is an entry in ClinVar:

ClinVar aggregate classification (germline): Pathogenic (1 of 4 stars; one submission).

Conditions:
Hereditary cancer-predisposing syndrome. Also called: Neoplastic Syndromes, Hereditary; Tumor predisposition; Hereditary Cancer Syndrome; Hereditary neoplastic syndrome. Identifiers: Orphanet 140162, MedGen C0027672, MeSH D009386, MONDO:0015356.

Submission:

Ambry Genetics
Classification: Pathogenic for Hereditary cancer-predisposing syndrome. Last evaluated: 2025-11-14. Review status: criteria provided, single submitter. Criteria: Ambry Variant Classification Scheme 2023. Collection method: clinical testing. Allele origin: germline.
Comment: The p.S179* pathogenic mutation (also known as c.536C>A), located in coding exon 4 of the BARD1 gene, results from a C to A substitution at nucleotide position 536. This changes the amino acid from a serine to a stop codon within coding exon 4. This variant is considered to be rare based on population cohorts in the Genome Aggregation Database (gnomAD). This alteration is expected to result in loss of function by premature protein truncation or nonsense-mediated mRNA decay. As such, this alteration is interpreted as a disease-causing mutation.

NM_000465.4(BARD1):c.536C>A (p.Ser179Ter)

Gene: BARD1 (BRCA1 associated RING domain 1; minus strand). Cytogenetic location: 2q35.
Variant type: single nucleotide variant.
Coding change: c.536C>A on transcript NM_000465.4 (MANE Select); coding-DNA position 536, C replaced by A.
Protein change: p.Ser179Ter; replaces serine 179 with a stop codon.
Molecular consequence: nonsense. On other transcripts: non-coding transcript variant (2), intron variant (3).
Genome position (GRCh38, 1-based): chr2:214,781,338, G>T on the plus strand (C>A on the coding strand, the complement: BARD1 is on the minus strand). VCF-style: chr2-214781338-G-T. GRCh37 (hg19) VCF-style: chr2-215646062-G-T.
Other names: c.479C>A, p.Ser160Ter (NM_001282543.2); c.158+28074C>A (NM_001282548.2); c.215+15723C>A (NM_001282545.2); c.364+10959C>A (NM_001282549.2); short protein forms S179*, S160*.
Identifiers: ClinVar variation 4621732 (VCV004621732.1).